The following is an entry in ClinVar:

NM_001457.4(FLNB):c.6706G>A (p.Ala2236Thr)

Gene: FLNB (filamin B; plus strand). Cytogenetic location: 3p14.3.
Variant type: single nucleotide variant.
Coding change: c.6706G>A on transcript NM_001457.4 (MANE Select); coding-DNA position 6706, G replaced by A.
Protein change: p.Ala2236Thr; replaces alanine 2236 with threonine.
Molecular consequence: missense variant.
Genome position (GRCh38, 1-based): chr3:58,154,862, G>A. VCF-style: chr3-58154862-G-A. GRCh37 (hg19) VCF-style: chr3-58140589-G-A.
Other names: c.6799G>A, p.Ala2267Thr (NM_001164317.2); c.6673G>A, p.Ala2225Thr (NM_001164318.2); c.6634G>A, p.Ala2212Thr (NM_001164319.2); short protein forms A2212T, A2225T, A2236T, A2267T.
Identifiers: ClinVar variation 4801728 (VCV004801728.1).

ClinVar aggregate classification (germline): Uncertain significance (1 of 4 stars; one submission).

Submission:

Labcorp Genetics (formerly Invitae), Labcorp
Classification: Uncertain significance. Last evaluated: 2025-11-24. Review status: criteria provided, single submitter. Criteria: Invitae Variant Classification Sherloc (09022015). Collection method: clinical testing. Allele origin: germline.
Comment: This sequence change replaces alanine, which is neutral and non-polar, with threonine, which is neutral and polar, at codon 2236 of the FLNB protein (p.Ala2236Thr). This variant is not present in population databases (gnomAD no frequency). This variant has not been reported in the literature in individuals affected with FLNB-related conditions. Invitae Evidence Modeling of protein sequence and biophysical properties (such as structural, functional, and spatial information, amino acid conservation, physicochemical variation, residue mobility, and thermodynamic stability) indicates that this missense variant is not expected to disrupt FLNB protein function with a negative predictive value of 95%. In summary, the available evidence is currently insufficient to determine the role of this variant in disease. Therefore, it has been classified as a Variant of Uncertain Significance.